The following is an entry in ClinVar:

NM_001164508.2(NEB):c.4506+2T>C

Gene: NEB (nebulin; minus strand). Cytogenetic location: 2q23.3.
Variant type: single nucleotide variant.
Coding change: c.4506+2T>C on transcript NM_001164508.2 (MANE Select); the canonical splice donor site of the intron after coding-DNA position 4506, T replaced by C.
Molecular consequence: splice donor variant.
Genome position (GRCh38, 1-based): chr2:151,671,021, A>G on the plus strand (T>C on the coding strand, the complement: NEB is on the minus strand). VCF-style: chr2-151671021-A-G. GRCh37 (hg19) VCF-style: chr2-152527535-A-G.
Other names: c.4506+2T>C (NM_004543.5, NM_001164507.2, NM_001271208.2).
Identifiers: ClinVar variation 3001461 (VCV003001461.2), dbSNP rs2552260062, ClinGen allele CA348815266.

ClinVar aggregate classification (germline): Likely pathogenic (1 of 4 stars; one submission).

Conditions:
Nemaline myopathy 2 (NEM2). Also called: Nemaline myopathy 2, autosomal recessive. Identifiers: MedGen C1850569, MONDO:0009725, OMIM 256030.

Submission:

Labcorp Genetics (formerly Invitae), Labcorp
Classification: Likely pathogenic for Nemaline myopathy 2. Last evaluated: 2023-04-09. Review status: criteria provided, single submitter. Criteria: Invitae Variant Classification Sherloc (09022015). Collection method: clinical testing. Allele origin: germline.
Comment: This sequence change affects a donor splice site in intron 38 of the NEB gene. It is expected to disrupt RNA splicing. Variants that disrupt the donor or acceptor splice site typically lead to a loss of protein function (PMID: 16199547), and loss-of-function variants in NEB are known to be pathogenic (PMID: 25205138). This variant is not present in population databases (gnomAD no frequency). This variant has not been reported in the literature in individuals affected with NEB-related conditions. Algorithms developed to predict the effect of sequence changes on RNA splicing suggest that this variant may disrupt the consensus splice site. In summary, the currently available evidence indicates that the variant is pathogenic, but additional data are needed to prove that conclusively. Therefore, this variant has been classified as Likely Pathogenic.

Literature cited by the submitters: PubMed 16199547; PubMed 25205138.